The following is an entry in ClinVar:

NM_004279.3(PMPCB):c.1222_1223del (p.Met408fs)

Gene: PMPCB (peptidase, mitochondrial processing subunit beta; plus strand). Cytogenetic location: 7q22.1.
Variant type: Deletion.
Coding change: c.1222_1223del on transcript NM_004279.3 (MANE Select); coding-DNA positions 1222 to 1223, 2 bases deleted (AT; older notation c.1222_1223delAT).
Protein change: p.Met408fs; shifts the reading frame from methionine 408.
Molecular consequence: frameshift variant.
Genome position (GRCh38, 1-based): chr7:103,311,710-103,311,711, AT deleted. VCF-style (leftmost placement, unchanged base first): chr7-103311709-CAT-C. GRCh37 (hg19) VCF-style: chr7-102952156-CAT-C.
Other names: c.1222_1223del, p.Met408fs (NM_001438231.1); short protein forms M408fs.
Identifiers: ClinVar variation 4856841 (VCV004856841.2).
Genomic context (GRCh38, chr7:103,311,709, plus strand): 5'-ACTCTGTACAAGTGTCACAGAAAGTGAGGTTGCACGAGCCAGAAATCTTCTGAAAACAAA[CAT>C]GTTGTTGCAGCTTGATGGTAAAAATAAAGATATAGGTTCTGTTTTCATATGGTTGATCTG-3'

ClinVar aggregate classification (germline): Likely pathogenic (1 of 4 stars; one submission).

Submission:

Dasa
Classification: Likely pathogenic. Last evaluated: 2025-09-03. Review status: criteria provided, single submitter. Criteria: DASA Assertion Criteria. Collection method: clinical testing. Allele origin: germline.
Comment: NM_004279.3(PMPCB):c.1222_1223del (p.Met408Valfs*5) is a frameshift variant in PMPCB predicted to alter the reading frame and introduce a premature termination codon and is predicted to result in an absent or altered protein product. Loss of function is an established disease mechanism for PMPCB-associated disorders. Also, this variant is rare in population databases. Based on the currently available evidence, this variant is classified as likely pathogenic.